The following is an entry in ClinVar:

ClinVar aggregate classification (germline): Uncertain significance (1 of 4 stars; one submission).

Conditions:
Hereditary cancer-predisposing syndrome. Also called: Tumor predisposition; Hereditary neoplastic syndrome; Neoplastic Syndromes, Hereditary; Hereditary Cancer Syndrome. Identifiers: Orphanet 140162, MedGen C0027672, MeSH D009386, MONDO:0015356.

Submission:

Ambry Genetics
Classification: Uncertain significance for Hereditary cancer-predisposing syndrome. Last evaluated: 2019-08-27. Review status: criteria provided, single submitter. Criteria: Ambry Variant Classification Scheme 2023. Collection method: clinical testing. Allele origin: germline.
Comment: The c.1246-2A>G intronic variant results from an A to G substitution two nucleotides upstream from coding exon 9 in the RAD50 gene. This nucleotide position is highly conserved in available vertebrate species. Using the Human Splicing Finder (HSF) splice site prediction tool, this alteration is predicted to abolish the weakly predicted native splice acceptor; however, direct evidence is unavailable (Desmet FO et al. Nucleic Acids Res. 2009 May;37:e67). In addition, the BDGP and ESEfinder in silico splicing models do not produce a reliable prediction for this splice acceptor site, therefore the predicted impact of this alteration on splicing cannot be determined at this time. Since supporting evidence is limited at this time, the clinical significance of this alteration remains unclear.

NM_005732.4(RAD50):c.1246-2A>G

Gene: RAD50 (RAD50 double strand break repair protein; plus strand). Cytogenetic location: 5q31.1.
Variant type: single nucleotide variant.
Coding change: c.1246-2A>G on transcript NM_005732.4 (MANE Select); the canonical splice acceptor site of the intron before coding-DNA position 1246, A replaced by G.
Molecular consequence: splice acceptor variant.
Genome position (GRCh38, 1-based): chr5:132,589,629, A>G. VCF-style: chr5-132589629-A-G. GRCh37 (hg19) VCF-style: chr5-131925321-A-G.
Identifiers: ClinVar variation 818692 (VCV000818692.4), dbSNP rs1580993323, ClinGen allele CA360943528.
Genomic context (GRCh38, chr5:132,589,629, plus strand): 5'-CAATTAAAAAACTTAAATTGTTTAGTAAATTATTAATGCTCATTCTTTACATATGCATTT[A>G]GAATGACTTTGCAGAAAAAGAGACTCTGAAACAAAAACAGATAGATGAGATAAGAGATAA-3'